The following is an entry in ClinVar:

ClinVar aggregate classification (germline): Uncertain significance (1 of 4 stars; one submission).

Conditions:
Gordon syndrome (DA3). Also called: Gordon's syndrome; ARTHROGRYPOSIS MULTIPLEX CONGENITA, DISTAL, TYPE IIA; CAMPTODACTYLY, CLEFT PALATE, AND CLUBFOOT. Identifiers: Orphanet 376, MedGen C0220666, MONDO:0007252, OMIM 114300.

Submission:

Baylor Genetics
Classification: Uncertain significance for Gordon syndrome. Last evaluated: 2018-05-30. Review status: criteria provided, single submitter. Criteria: ACMG Guidelines, 2015. Collection method: clinical testing. Allele origin: paternal. Affected: yes.
Comment: This variant was determined to be of uncertain significance according to ACMG Guidelines, 2015 [PMID:25741868].

NM_001378183.1(PIEZO2):c.8081+7G>C

Gene: PIEZO2 (piezo type mechanosensitive ion channel component 2; minus strand). Cytogenetic location: 18p11.22.
Variant type: single nucleotide variant.
Coding change: c.8081+7G>C on transcript NM_001378183.1 (MANE Select); 7 bases into the intron after coding-DNA position 8081, G replaced by C.
Molecular consequence: intron variant.
Genome position (GRCh38, 1-based): chr18:10,677,740, C>G on the plus strand (G>C on the coding strand, the complement: PIEZO2 is on the minus strand). VCF-style: chr18-10677740-C-G. GRCh37 (hg19) VCF-style: chr18-10677737-C-G.
Other names: c.7742+7G>C (NM_022068.4).
Identifiers: ClinVar variation 1033998 (VCV001033998.1), dbSNP rs912560415, ClinGen allele CA2284412044.